The following is an entry in ClinVar:

ClinVar aggregate classification (germline): Uncertain significance (1 of 4 stars; one submission).

Allele frequency attached by ClinVar (database versions not stated): gnomAD exomes below 0.00001; TOPMed below 0.00001.

Submission:

Labcorp Genetics (formerly Invitae), Labcorp
Classification: Uncertain significance. Last evaluated: 2022-03-30. Review status: criteria provided, single submitter. Criteria: Invitae Variant Classification Sherloc (09022015). Collection method: clinical testing. Allele origin: germline.
Comment: This sequence change replaces glutamic acid, which is acidic and polar, with lysine, which is basic and polar, at codon 244 of the SLC18A2 protein (p.Glu244Lys). This variant is present in population databases (no rsID available, gnomAD 0.002%). This variant has not been reported in the literature in individuals affected with SLC18A2-related conditions. Algorithms developed to predict the effect of missense changes on protein structure and function are either unavailable or do not agree on the potential impact of this missense change (SIFT: "Deleterious"; PolyPhen-2: "Benign"; Align-GVGD: "Class C15"). In summary, the available evidence is currently insufficient to determine the role of this variant in disease. Therefore, it has been classified as a Variant of Uncertain Significance.

NM_003054.6(SLC18A2):c.730G>A (p.Glu244Lys)

Gene: SLC18A2 (solute carrier family 18 member A2; plus strand). Cytogenetic location: 10q25.3.
Variant type: single nucleotide variant.
Coding change: c.730G>A on transcript NM_003054.6 (MANE Select); coding-DNA position 730, G replaced by A.
Protein change: p.Glu244Lys; replaces glutamic acid 244 with lysine.
Molecular consequence: missense variant.
Genome position (GRCh38, 1-based): chr10:117,255,306, G>A. VCF-style: chr10-117255306-G-A. GRCh37 (hg19) VCF-style: chr10-119014817-G-A.
Other names: short protein forms E244K.
Identifiers: ClinVar variation 2414881 (VCV002414881.6), dbSNP rs981444543, ClinGen allele CA214682290.
Genomic context (GRCh38, chr10:117,255,306, plus strand): 5'-GGGGTGGTGTCCCCACTTTCTCTCCCTGCAGTGGGCCCCCCCTTCGGGAGTGTGCTCTAT[G>A]AGTTTGTGGGGAAGACGGCTCCGTTCCTGGTGCTGGCCGCCCTGGTACTCTTGGATGGAG-3'
Protein context (NP_003045.2, residues 234-254): VGPPFGSVLY[Glu244Lys]FVGKTAPFLV